The following is an entry in ClinVar:

ClinVar aggregate classification (germline): Likely benign. Review status: criteria provided, multiple submitters, no conflicts (2 of 4 stars). 2 submissions from 2 submitters: Likely benign (2). Last evaluated 2026-03-07.

Conditions:
GLRX5-related disorder. Also called: GLRX5-related condition.

Allele frequency attached by ClinVar (database versions not stated): ExAC 0.00002; gnomAD exomes 0.00003; gnomAD 0.00005 and 0.00006; TOPMed 0.00008.
gnomAD v4.1: 58 of 1,613,844 alleles (0.0036%); highest among the groups gnomAD compares: African/African-American, 0.0067%; no homozygotes.

Submissions (2):

PreventionGenetics, part of Exact Sciences
Classification: Likely benign for GLRX5-related condition. Last evaluated: 2026-03-07. Review status: criteria provided, single submitter. Criteria: ACMG Guidelines, 2015. Collection method: clinical testing. Allele origin: germline.
Comment: This variant is classified as likely benign based on ACMG/AMP sequence variant interpretation guidelines (Richards et al. 2015 PMID: 25741868, with internal and published modifications).

Labcorp Genetics (formerly Invitae), Labcorp
Classification: Likely benign. Last evaluated: 2018-11-15. Review status: criteria provided, single submitter. Criteria: Invitae Variant Classification Sherloc (09022015). Collection method: clinical testing. Allele origin: germline.

NM_016417.3(GLRX5):c.330G>A (p.Pro110=)

Gene: GLRX5 (glutaredoxin 5; plus strand). Cytogenetic location: 14q32.13.
Variant type: single nucleotide variant.
Coding change: c.330G>A on transcript NM_016417.3 (MANE Select); coding-DNA position 330, G replaced by A.
Protein change: p.Pro110=; no amino-acid change (proline 110 retained).
Molecular consequence: synonymous variant.
Genome position (GRCh38, 1-based): chr14:95,543,981, G>A. VCF-style: chr14-95543981-G-A. GRCh37 (hg19) VCF-style: chr14-96010318-G-A.
Identifiers: ClinVar variation 795096 (VCV000795096.4), dbSNP rs200453045, ClinGen allele CA7333947.